The following is an entry in ClinVar:

ClinVar aggregate classification (germline): Likely pathogenic. Review status: criteria provided, multiple submitters, no conflicts (2 of 4 stars). 2 submissions from 2 submitters: Likely pathogenic (2). Last evaluated 2023-02-28.

Conditions:
Autosomal dominant nonsyndromic hearing loss 13. Identifiers: Orphanet 90635, MedGen C1866095, MONDO:0011159, OMIM 601868.
COL11A2-related disorder. Also called: COL11A2-related disorders; COL11A2-related condition.

Submissions (2):

King Laboratory, University of Washington
Classification: Likely pathogenic for Autosomal dominant nonsyndromic hearing loss 13. Last evaluated: 2023-02-28. Review status: criteria provided, single submitter. Criteria: Li et al. (Genet Med. 2022). Collection method: research. Allele origin: unknown. Affected: yes.
Comment: This variant was found in heterozygosity in a patient and their father, both with bilateral sensorineural hearing loss of onset <18 years, in a study of pediatric hearing loss conducted by the King Laboratory (Carlson RJ et al. JAMA-OtoHNS 2023). This variant is a single base pair substitution that is predicted to alter splicing. At the donor splice of COL11A1 exon 52, the sequence change is CGG|gtgagt > CGG|ttgagt, NNSPLICE is 0.99 and 0.00 and MaxEnt is 9.89 and 1.39 for reference and mutant sequences, respectively. The most likely consequence of altered splicing due to this variant is skipping of exon 52 resulting in a 54bp message deletion and an in-frame deletion of 18 amino acids. As of January 2023, this variant has not been reported to ClinVar and is not found on gnomAD. Based on the prediction that this variant leads to a splicing error, co-segregation with the phenotype in the family, and goodness of fit of genotype to phenotype, we conclude that this variant is likely pathogenic.

Blueprint Genetics
Classification: Likely pathogenic for COL11A2-related disorders. Last evaluated: 2021-09-03. Review status: criteria provided, single submitter. Criteria: ACMG Guidelines, 2015. Collection method: clinical testing. Allele origin: germline. Affected: yes. Observed: 1 variant allele.

Literature cited by the submitters: PubMed 36633841 (cited by King Laboratory, University of Washington).

NM_080680.3(COL11A2):c.3852+1G>T

Gene: COL11A2 (collagen type XI alpha 2 chain; minus strand). Cytogenetic location: 6p21.32.
Variant type: single nucleotide variant.
Coding change: c.3852+1G>T on transcript NM_080680.3 (MANE Select); the canonical splice donor site of the intron after coding-DNA position 3852, G replaced by T.
Molecular consequence: splice donor variant.
Genome position (GRCh38, 1-based): chr6:33,168,954, C>A on the plus strand (G>T on the coding strand, the complement: COL11A2 is on the minus strand). VCF-style: chr6-33168954-C-A. GRCh37 (hg19) VCF-style: chr6-33136731-C-A.
Other names: c.3531+1G>T (NM_080679.3); c.3594+1G>T (NM_080681.3).
Identifiers: ClinVar variation 2445627 (VCV002445627.2), dbSNP rs2150532832, ClinGen allele CA363627056.